The following is an entry in ClinVar:

NM_001079.4(ZAP70):c.889+6C>T

Gene: ZAP70 (zeta chain of T cell receptor associated protein kinase 70; plus strand). Cytogenetic location: 2q11.2.
Variant type: single nucleotide variant.
Coding change: c.889+6C>T on transcript NM_001079.4 (MANE Select); 6 bases into the intron after coding-DNA position 889, C replaced by T.
Molecular consequence: intron variant. On other transcripts: 5 prime UTR variant (1).
Genome position (GRCh38, 1-based): chr2:97,733,601, C>T. VCF-style: chr2-97733601-C-T. GRCh37 (hg19) VCF-style: chr2-98350064-C-T.
Other names: c.-951C>T (NM_207519.2); c.889+6C>T (NM_001378594.1).
Identifiers: ClinVar variation 1437747 (VCV001437747.4), dbSNP rs201457490, ClinGen allele CA1790288.

ClinVar aggregate classification (germline): Uncertain significance. Review status: criteria provided, multiple submitters, no conflicts (2 of 4 stars). 2 submissions from 2 submitters: Uncertain significance (2). Last evaluated 2024-09-15.

Conditions:
Combined immunodeficiency due to ZAP70 deficiency (IMD48). Also called: Immunodeficiency 48; ZAP70 Deficiency. Identifiers: Orphanet 911, MedGen C2931299, MONDO:0010023, OMIM 269840.

Allele frequency attached by ClinVar (database versions not stated): TOPMed 0.00001; ExAC 0.00004.
gnomAD v4.1: 17 of 1,613,456 alleles (0.0011%); highest among the groups gnomAD compares: Admixed American, 0.0083%; no homozygotes.

Submissions (2):

Women's Health and Genetics/Laboratory Corporation of America, LabCorp
Classification: Uncertain significance. Last evaluated: 2024-09-15. Review status: criteria provided, single submitter. Criteria: LabCorp Variant Classification Summary - May 2015. Collection method: clinical testing. Allele origin: germline.

Labcorp Genetics (formerly Invitae), Labcorp
Classification: Uncertain significance for Combined immunodeficiency due to ZAP70 deficiency. Last evaluated: 2021-08-17. Review status: criteria provided, single submitter. Criteria: Invitae Variant Classification Sherloc (09022015). Collection method: clinical testing. Allele origin: germline.
Comment: This sequence change falls in intron 8 of the ZAP70 gene. It does not directly change the encoded amino acid sequence of the ZAP70 protein. It affects a nucleotide within the consensus splice site of the intron. This variant is present in population databases (rs201457490, ExAC 0.03%). This variant has not been reported in the literature in individuals affected with ZAP70-related conditions. Variants that disrupt the consensus splice site are a relatively common cause of aberrant splicing (PMID: 17576681, 9536098). Algorithms developed to predict the effect of sequence changes on RNA splicing suggest that this variant is not likely to affect RNA splicing. In summary, the available evidence is currently insufficient to determine the role of this variant in disease. Therefore, it has been classified as a Variant of Uncertain Significance.

Literature cited by the submitters: PubMed 17576681 (cited by Labcorp Genetics (formerly Invitae), Labcorp); PubMed 9536098 (cited by Labcorp Genetics (formerly Invitae), Labcorp).